The following is an entry in ClinVar:

NM_053025.4(MYLK):c.1041G>T (p.Leu347=)

Gene: MYLK (myosin light chain kinase; minus strand). Cytogenetic location: 3q21.1.
Variant type: single nucleotide variant.
Coding change: c.1041G>T on transcript NM_053025.4 (MANE Select); coding-DNA position 1041, G replaced by T.
Protein change: p.Leu347=; no amino-acid change (leucine 347 retained).
Molecular consequence: synonymous variant.
Genome position (GRCh38, 1-based): chr3:123,733,955, C>A on the plus strand (G>T on the coding strand, the complement: MYLK is on the minus strand). VCF-style: chr3-123733955-C-A. GRCh37 (hg19) VCF-style: chr3-123452802-C-A.
Other names: c.513G>T, p.Leu171= (NM_001321309.2); c.1041G>T, p.Leu347= (NM_053026.4, NM_053027.4, NM_053028.4).
Identifiers: ClinVar variation 514741 (VCV000514741.3), dbSNP rs1553822525, ClinGen allele CA435432445.
Genomic context (GRCh38, chr3:123,733,955, plus strand): 5'-AGAAGGTGATAGGACCCCCAGGCCTGGTGCTCTTGGTTCCGGCTGAACTCTTGCGGCCTG[C>A]AGGGTGATGGAGCTGGAAGTCTTCTGAAGGACCGGGGTCTGCGGGGCCGTTCTGGGCGAG-3'
Protein context (NP_444253.3, residues 337-357): VLQKTSSSIT[Leu347=]QAARVQPEPR

ClinVar aggregate classification (germline): Likely benign. Review status: criteria provided, multiple submitters, no conflicts (2 of 4 stars). 2 submissions from 2 submitters: Likely benign (2). Last evaluated 2024-03-03.

Conditions:
Aortic aneurysm, familial thoracic 7 (AAT7). Also called: AORTIC DISSECTION, FAMILIAL, WITH OR WITHOUT AORTIC ANEURYSM. Identifiers: MedGen C3151077, MONDO:0013418, OMIM 613780.

Submissions (2):

Labcorp Genetics (formerly Invitae), Labcorp
Classification: Likely benign for Aortic aneurysm, familial thoracic 7. Last evaluated: 2024-03-03. Review status: criteria provided, single submitter. Criteria: Invitae Variant Classification Sherloc (09022015). Collection method: clinical testing. Allele origin: germline.

GeneDx
Classification: Likely benign. Last evaluated: 2018-01-26. Review status: criteria provided, single submitter. Criteria: GeneDx Variant Classification (06012015). Collection method: clinical testing. Allele origin: germline. Affected: yes.
Comment: This variant is considered likely benign or benign based on one or more of the following criteria: it is a conservative change, it occurs at a poorly conserved position in the protein, it is predicted to be benign by multiple in silico algorithms, and/or has population frequency not consistent with disease.